The following is an entry in ClinVar:

ClinVar aggregate classification (germline): Uncertain significance (1 of 4 stars; one submission).

Allele frequency attached by ClinVar (database versions not stated): gnomAD exomes below 0.00001; ExAC 0.00001.
gnomAD v4.1: 3 of 1,613,838 alleles (0.00019%); highest among the groups gnomAD compares: Non-Finnish European, 0.00025%; no homozygotes.

Submission:

Labcorp Genetics (formerly Invitae), Labcorp
Classification: Uncertain significance. Last evaluated: 2022-06-27. Review status: criteria provided, single submitter. Criteria: Invitae Variant Classification Sherloc (09022015). Collection method: clinical testing. Allele origin: germline.
Comment: This sequence change replaces glutamic acid, which is acidic and polar, with lysine, which is basic and polar, at codon 1403 of the TUBGCP6 protein (p.Glu1403Lys). This variant is present in population databases (rs756849788, gnomAD 0.0009%). This variant has not been reported in the literature in individuals affected with TUBGCP6-related conditions. Algorithms developed to predict the effect of missense changes on protein structure and function (SIFT, PolyPhen-2, Align-GVGD) all suggest that this variant is likely to be tolerated. In summary, the available evidence is currently insufficient to determine the role of this variant in disease. Therefore, it has been classified as a Variant of Uncertain Significance.

NM_020461.4(TUBGCP6):c.4207G>A (p.Glu1403Lys)

Gene: TUBGCP6 (tubulin gamma complex component 6; minus strand). Cytogenetic location: 22q13.33.
Variant type: single nucleotide variant.
Coding change: c.4207G>A on transcript NM_020461.4 (MANE Select); coding-DNA position 4207, G replaced by A.
Protein change: p.Glu1403Lys; replaces glutamic acid 1403 with lysine.
Molecular consequence: missense variant.
Genome position (GRCh38, 1-based): chr22:50,219,752, C>T on the plus strand (G>A on the coding strand, the complement: TUBGCP6 is on the minus strand). VCF-style: chr22-50219752-C-T. GRCh37 (hg19) VCF-style: chr22-50658181-C-T.
Other names: short protein forms E1403K.
Identifiers: ClinVar variation 1370259 (VCV001370259.3), dbSNP rs756849788, ClinGen allele CA10307625.
Genomic context (GRCh38, chr22:50,219,752, plus strand): 5'-CCAGGCCTGCCAGGTAGGCCTGCTCCCCACCCTGAGCCTCCGCCGCCGATGCCTCCGCCT[C>T]CTCACCACGGCCTGGGCTGCTCTGGGCAGCTGTGTCTTCCTAACAAAACACCAGCCTCAG-3'
Protein context (NP_065194.3, residues 1393-1413): AAQSSPGRGE[Glu1403Lys]AEASAAEAQG